The following is an entry in ClinVar:

NM_001365951.3(KIF1B):c.167A>G (p.Tyr56Cys)

Gene: KIF1B (kinesin family member 1B; plus strand). Cytogenetic location: 1p36.22.
Variant type: single nucleotide variant.
Coding change: c.167A>G on transcript NM_001365951.3 (MANE Select); coding-DNA position 167, A replaced by G.
Protein change: p.Tyr56Cys; replaces tyrosine 56 with cysteine.
Molecular consequence: missense variant.
Genome position (GRCh38, 1-based): chr1:10,256,307, A>G. VCF-style: chr1-10256307-A-G. GRCh37 (hg19) VCF-style: chr1-10316365-A-G.
Other names: c.167A>G, p.Tyr56Cys (NM_001365952.1, NM_001365953.1, NM_015074.3 and 1 more transcripts); short protein forms Y56C.
Identifiers: ClinVar variation 3534034 (VCV003534034.1).

ClinVar aggregate classification (germline): Uncertain significance (1 of 4 stars; one submission).

Submission:

Ambry Genetics
Classification: Uncertain significance. Last evaluated: 2024-09-30. Review status: criteria provided, single submitter. Criteria: Ambry Variant Classification Scheme 2023. Collection method: clinical testing. Allele origin: germline.
Comment: The p.Y56C variant (also known as c.167A>G), located in coding exon 2 of the KIF1B gene, results from an A to G substitution at nucleotide position 167. The tyrosine at codon 56 is replaced by cysteine, an amino acid with highly dissimilar properties. This amino acid position is conserved. In addition, this alteration is predicted to be deleterious by in silico analysis. Based on the available evidence, the clinical significance of this variant remains unclear.